The following is an entry in ClinVar:

ClinVar aggregate classification (germline): Likely pathogenic. Review status: criteria provided, multiple submitters, no conflicts (2 of 4 stars). 3 submissions from 3 submitters: Likely pathogenic (3). Last evaluated 2026-01-13.

Conditions:
Corneal dystrophy-perceptive deafness syndrome (CDPD). Also called: CORNEAL DYSTROPHY AND SENSORINEURAL DEAFNESS; HARBOYAN SYNDROME. Identifiers: Orphanet 1490, MedGen C1857572, MONDO:0009015, OMIM 217400.
Corneal dystrophy, Fuchs endothelial, 4 (FECD4). Identifiers: Orphanet 98974, MedGen C2750450, MONDO:0013204, OMIM 613268.
Congenital hereditary endothelial dystrophy of cornea. Also called: Congenital hereditary endothelial dystrophy of the cornea; Maumenee corneal dystrophy; Corneal endothelial dystrophy, autosomal recessive; CORNEAL DYSTROPHY, CONGENITAL HEREDITARY ENDOTHELIAL; Congenital hereditary endothelial dystrophy type II. Identifiers: Orphanet 293603, MedGen C1857569, MONDO:0009019, OMIM 217700.

Submissions (3):

Labcorp Genetics (formerly Invitae), Labcorp
Classification: Likely pathogenic. Last evaluated: 2026-01-13. Review status: criteria provided, single submitter. Criteria: Invitae Variant Classification Sherloc (09022015). Collection method: clinical testing. Allele origin: germline.
Comment: This sequence change affects an acceptor splice site in intron 6 of the SLC4A11 gene. It is expected to disrupt RNA splicing. Variants that disrupt the donor or acceptor splice site typically lead to a loss of protein function (PMID: 16199547), and loss-of-function variants in SLC4A11 are known to be pathogenic (PMID: 17220209, 17679935). This variant is not present in population databases (gnomAD no frequency). This variant has not been reported in the literature in individuals affected with SLC4A11-related conditions. ClinVar contains an entry for this variant (Variation ID: 2816941). Algorithms developed to predict the effect of sequence changes on RNA splicing suggest that this variant may disrupt the consensus splice site. In summary, the currently available evidence indicates that the variant is pathogenic, but additional data are needed to prove that conclusively. Therefore, this variant has been classified as Likely Pathogenic.

Natera, Inc.
Classification: Likely pathogenic for Corneal dystrophy-perceptive deafness syndrome. Last evaluated: 2025-12-01. Review status: criteria provided, single submitter. Criteria: Natera Variant Classification Schema (03/2026). Collection method: clinical testing. Allele origin: germline.
Comment: The c.778-2A>C variant in SLC4A11 is a canonical splice acceptor site variant predicted to affect pre-mRNA splicing, which may result in an abnormal transcript and altered protein product. This variant is expected to result in nonsense mediated decay, truncation, or a dysfunctional protein product. This variant is rare in the general population with a frequency below the threshold expected for the associated phenotype(s). Given the available evidence, this variant is classified as Likely Pathogenic.

Fulgent Genetics
Classification: Likely pathogenic for Corneal dystrophy-perceptive deafness syndrome; Congenital hereditary endothelial dystrophy of cornea; Corneal dystrophy, Fuchs endothelial, 4. Last evaluated: 2024-02-25. Review status: criteria provided, single submitter. Criteria: ACMG Guidelines, 2015. Collection method: clinical testing. Allele origin: germline.

Literature cited by the submitters: PubMed 16199547 (cited by Labcorp Genetics (formerly Invitae), Labcorp); PubMed 17220209 (cited by Labcorp Genetics (formerly Invitae), Labcorp); PubMed 17679935 (cited by Labcorp Genetics (formerly Invitae), Labcorp).

NM_001174089.2(SLC4A11):c.730-2A>C

Gene: SLC4A11 (solute carrier family 4 member 11; minus strand). Cytogenetic location: 20p13.
Variant type: single nucleotide variant.
Coding change: c.730-2A>C on transcript NM_001174089.2 (MANE Select); the canonical splice acceptor site of the intron before coding-DNA position 730, A replaced by C.
Molecular consequence: splice acceptor variant.
Genome position (GRCh38, 1-based): chr20:3,231,550, T>G on the plus strand (A>C on the coding strand, the complement: SLC4A11 is on the minus strand). VCF-style: chr20-3231550-T-G. GRCh37 (hg19) VCF-style: chr20-3212196-T-G.
Other names: c.673-2A>C (NM_001400277.1, NM_001400278.1, NM_001400279.1); c.730-2A>C (NM_001363745.2); c.859-2A>C (NM_001400280.1, NM_001174090.2); c.778-2A>C (NM_032034.4, NM_032034.3).
Identifiers: ClinVar variation 2816941 (VCV002816941.5), dbSNP rs2514570481, ClinGen allele CA408091617.